The following is an entry in ClinVar:

NM_000536.4(RAG2):c.284G>A (p.Gly95Glu)

Gene: RAG2 (recombination activating 2; minus strand). Cytogenetic location: 11p12.
Variant type: single nucleotide variant.
Coding change: c.284G>A on transcript NM_000536.4 (MANE Select); coding-DNA position 284, G replaced by A.
Protein change: p.Gly95Glu; replaces glycine 95 with glutamic acid.
Molecular consequence: missense variant.
Genome position (GRCh38, 1-based): chr11:36,593,885, C>T on the plus strand (G>A on the coding strand, the complement: RAG2 is on the minus strand). VCF-style: chr11-36593885-C-T. GRCh37 (hg19) VCF-style: chr11-36615435-C-T.
Other names: c.284G>A, p.Gly95Glu (NM_001243785.2, NM_001243786.2); c.284G>A (NM_000536.3); short protein forms G95E.
Identifiers: ClinVar variation 2069243 (VCV002069243.6), dbSNP rs2494798051, ClinGen allele CA380143798.

ClinVar aggregate classification (germline): Conflicting classifications of pathogenicity. Review status: criteria provided, conflicting classifications (1 of 4 stars). 3 submissions from 3 submitters: Likely pathogenic (1); Uncertain significance (1). 1 of the submissions does not count toward it. Last evaluated 2025-09-04.

Conditions:
Combined immunodeficiency with skin granulomas. Identifiers: Orphanet 157949, MedGen C2673536, MONDO:0009306, OMIM 233650.
Severe combined immunodeficiency, autosomal recessive, T cell-negative, B cell-negative, NK cell-positive. Also called: SCID, AR, T-cell negative, B-cell negative, NK cell-positive; SCID, T CELL-NEGATIVE, B CELL-NEGATIVE, NK CELL-POSITIVE; Severe combined immunodeficiency due to complete RAG1/2 deficiency. Identifiers: Orphanet 331206, MedGen C1832322, MONDO:0011086, OMIM 601457.
Histiocytic medullary reticulosis. Also called: SEVERE COMBINED IMMUNODEFICIENCY WITH HYPEREOSINOPHILIA; Omenn syndrome. Identifiers: Orphanet 39041, MedGen C2700553, MONDO:0011338, OMIM 603554.

Submissions (3):

Women's Health and Genetics/Laboratory Corporation of America, LabCorp
Classification: Uncertain significance. Last evaluated: 2025-09-04. Review status: criteria provided, single submitter. Criteria: LabCorp Variant Classification Summary - May 2015. Collection method: clinical testing. Allele origin: germline.
Comment: Variant summary: RAG2 c.284G>A (p.Gly95Glu) results in a non-conservative amino acid change in the encoded protein sequence. Algorithms developed to predict the effect of missense changes on protein structure and function all suggest that this variant is likely to be disruptive. The variant was absent in 251454 control chromosomes. The available data on variant occurrences in the general population are insufficient to allow any conclusion about variant significance. To our knowledge, no occurrence of c.284G>A in individuals affected with RAG2-related conditions and no experimental evidence demonstrating its impact on protein function have been reported. ClinVar contains an entry for this variant (Variation ID: 2069243). Based on the evidence outlined above, the variant was classified as uncertain significance.

Labcorp Genetics (formerly Invitae), Labcorp
Classification: Likely pathogenic for Combined immunodeficiency with skin granulomas; Severe combined immunodeficiency, autosomal recessive, T cell-negative, B cell-negative, NK cell-positive. Last evaluated: 2022-01-01. Review status: criteria provided, single submitter. Criteria: Invitae Variant Classification Sherloc (09022015). Collection method: clinical testing. Allele origin: germline.
Comment: This sequence change replaces glycine, which is neutral and non-polar, with glutamic acid, which is acidic and polar, at codon 95 of the RAG2 protein (p.Gly95Glu). This variant is not present in population databases (gnomAD no frequency). In summary, the currently available evidence indicates that the variant is pathogenic, but additional data are needed to prove that conclusively. Therefore, this variant has been classified as Likely Pathogenic. This variant disrupts the p.Gly95 amino acid residue in RAG2. Other variant(s) that disrupt this residue have been determined to be pathogenic (PMID: 10891502, 15025726, 26186701). This suggests that this residue is clinically significant, and that variants that disrupt this residue are likely to be disease-causing. Advanced modeling of protein sequence and biophysical properties (such as structural, functional, and spatial information, amino acid conservation, physicochemical variation, residue mobility, and thermodynamic stability) performed at Invitae indicates that this missense variant is expected to disrupt RAG2 protein function. This variant has not been reported in the literature in individuals affected with RAG2-related conditions.

Natera, Inc.
Classification: Uncertain significance for Omenn syndrome. Last evaluated: 2025-05-22. Review status: no assertion criteria provided. Collection method: clinical testing. Allele origin: germline. Not counted in ClinVar's aggregate classification.

Literature cited by the submitters: PubMed 10891502 (cited by Labcorp Genetics (formerly Invitae), Labcorp); PubMed 15025726 (cited by Labcorp Genetics (formerly Invitae), Labcorp); PubMed 26186701 (cited by Labcorp Genetics (formerly Invitae), Labcorp).